The following is an entry in ClinVar:

NM_005120.3(MED12):c.381G>A (p.Thr127=)

Gene: MED12 (mediator complex subunit 12; plus strand). Cytogenetic location: Xq13.1.
Variant type: single nucleotide variant.
Coding change: c.381G>A on transcript NM_005120.3 (MANE Select); coding-DNA position 381, G replaced by A.
Protein change: p.Thr127=; no amino-acid change (threonine 127 retained).
Molecular consequence: synonymous variant.
Genome position (GRCh38, 1-based): chrX:71,119,862, G>A. VCF-style: chrX-71119862-G-A. GRCh37 (hg19) VCF-style: chrX-70339712-G-A.
Identifiers: ClinVar variation 196405 (VCV000196405.45), dbSNP rs202125318, ClinGen allele CA243348.

ClinVar aggregate classification (germline): Conflicting classifications of pathogenicity. Review status: criteria provided, conflicting classifications (1 of 4 stars). 7 submissions from 7 submitters: Uncertain significance (1); Benign (1); Likely benign (4). 1 of the submissions does not count toward it. Last evaluated 2026-01-15.

Conditions:
MED12-Related Disorders. Also called: MED12-related condition; MED12-related disorder. Identifiers: MedGen CN381102.
FG syndrome (FGS). Identifiers: MedGen C0220769, MONDO:0002010.
Familial thoracic aortic aneurysm and aortic dissection (TAAD). Also called: Thoracic aortic aneurysms and dissections. Identifiers: Orphanet 91387, MedGen C4707243, MONDO:0019625.

Allele frequency attached by ClinVar (database versions not stated): gnomAD exomes 0.00018 and 0.00019; ExAC 0.00025; TOPMed 0.00036; gnomAD 0.00039 and 0.00041; ESP Exome Variant Server 0.00050; 1000 Genomes Project 30x 0.00083; 1000 Genomes Project 0.00106.
gnomAD v4.1: 255 of 1,209,525 alleles (0.021%); highest among the groups gnomAD compares: African/African-American, 0.084%; no homozygotes.

Submissions (7):

Labcorp Genetics (formerly Invitae), Labcorp
Classification: Benign for FG syndrome. Last evaluated: 2026-01-15. Review status: criteria provided, single submitter. Criteria: Invitae Variant Classification Sherloc (09022015). Collection method: clinical testing. Allele origin: germline.

CeGaT Center for Human Genetics Tuebingen
Classification: Likely benign. Last evaluated: 2025-08-01. Review status: criteria provided, single submitter. Criteria: CeGaT Center For Human Genetics Tuebingen Variant Classification Criteria Version 2. Collection method: clinical testing. Allele origin: germline. Affected: yes. Observed: 4 variant alleles.
Comment: MED12: BP4, BP7, BS2

Blueprint Genetics
Classification: Likely benign. Last evaluated: 2024-09-23. Review status: criteria provided, single submitter. Criteria: ACMG Guidelines, 2015. Collection method: clinical testing. Allele origin: germline.

GeneDx
Classification: Likely benign. Last evaluated: 2017-10-31. Review status: criteria provided, single submitter. Criteria: GeneDx Variant Classification (06012015). Collection method: clinical testing. Allele origin: germline. Affected: yes.
Comment: This variant is considered likely benign or benign based on one or more of the following criteria: it is a conservative change, it occurs at a poorly conserved position in the protein, it is predicted to be benign by multiple in silico algorithms, and/or has population frequency not consistent with disease.

Ambry Genetics
Classification: Likely benign for Familial thoracic aortic aneurysm and aortic dissection. Last evaluated: 2016-04-15. Review status: criteria provided, single submitter. Criteria: Ambry Variant Classification Scheme 2023. Collection method: clinical testing. Allele origin: germline.

Eurofins Ntd Llc (ga)
Classification: Uncertain significance. Last evaluated: 2014-07-22. Review status: criteria provided, single submitter. Criteria: EGL Classification Definitions 2015. Collection method: clinical testing. Allele origin: germline. Observed: 1 variant allele, 1 heterozygote.

PreventionGenetics, part of Exact Sciences
Classification: Likely benign for MED12-related condition. Last evaluated: 2020-09-15. Review status: no assertion criteria provided. Collection method: clinical testing. Allele origin: germline. Not counted in ClinVar's aggregate classification.
Comment: This variant is classified as likely benign based on ACMG/AMP sequence variant interpretation guidelines (Richards et al. 2015 PMID: 25741868, with internal and published modifications).